The following is an entry in ClinVar:

NM_001845.6(COL4A1):c.584C>T (p.Pro195Leu)

Gene: COL4A1 (collagen type IV alpha 1 chain; minus strand). Cytogenetic location: 13q34.
Variant type: single nucleotide variant.
Coding change: c.584C>T on transcript NM_001845.6 (MANE Select); coding-DNA position 584, C replaced by T.
Protein change: p.Pro195Leu; replaces proline 195 with leucine.
Molecular consequence: missense variant.
Genome position (GRCh38, 1-based): chr13:110,210,011, G>A on the plus strand (C>T on the coding strand, the complement: COL4A1 is on the minus strand). VCF-style: chr13-110210011-G-A. GRCh37 (hg19) VCF-style: chr13-110862358-G-A.
Other names: c.584C>T, p.Pro195Leu (NM_001303110.2); short protein forms P195L.
Identifiers: ClinVar variation 3343709 (VCV003343709.1).

ClinVar aggregate classification (germline): Uncertain significance (1 of 4 stars; one submission).

gnomAD v4.1: 1 of 1,614,180 alleles (0.000062%); highest among the groups gnomAD compares: South Asian, 0.0011%; no homozygotes.

Submission:

GeneDx
Classification: Uncertain significance. Last evaluated: 2023-05-25. Review status: criteria provided, single submitter. Criteria: GeneDx Variant Classification Process June 2021. Collection method: clinical testing. Allele origin: germline. Affected: yes.
Comment: Not observed at significant frequency in large population cohorts (gnomAD); In silico analysis supports that this missense variant has a deleterious effect on protein structure/function; Has not been previously published as pathogenic or benign to our knowledge; Occurs in the triple helical domain at the X position in the canonical Gly-X-Y repeat; although this variant may have an effect on normal protein folding and function, missense substitution at the X position is not a common mechanism of disease